The following is an entry in ClinVar:

ClinVar aggregate classification (germline): Uncertain significance (1 of 4 stars; one submission).

Submission:

Ambry Genetics
Classification: Uncertain significance. Last evaluated: 2026-08-02. Review status: criteria provided, single submitter. Criteria: Ambry Variant Classification Scheme 2023. Collection method: clinical testing. Allele origin: germline.
Comment: The p.S1006R variant (also known as c.3016A>C), located in coding exon 11 of the CDK12 gene, results from an A to C substitution at nucleotide position 3016. The serine at codon 1006 is replaced by arginine, an amino acid with dissimilar properties. This amino acid position is conserved. In addition, this alteration is predicted to be tolerated by in silico analysis. Based on the available evidence, the clinical significance of this variant remains unclear.

NM_016507.4(CDK12):c.3016A>C (p.Ser1006Arg)

Gene: CDK12 (cyclin dependent kinase 12; plus strand). Cytogenetic location: 17q12.
Variant type: single nucleotide variant.
Coding change: c.3016A>C on transcript NM_016507.4 (MANE Select); coding-DNA position 3016, A replaced by C.
Protein change: p.Ser1006Arg; replaces serine 1006 with arginine.
Molecular consequence: missense variant.
Genome position (GRCh38, 1-based): chr17:39,520,008, A>C. VCF-style: chr17-39520008-A-C. GRCh37 (hg19) VCF-style: chr17-37676261-A-C.
Other names: c.3016A>C, p.Ser1006Arg (NM_015083.4); short protein forms S1006R.
Identifiers: ClinVar variation 5034127 (VCV005034127.1).